The following is an entry in ClinVar:

ClinVar aggregate classification (germline): Pathogenic (1 of 4 stars; one submission).

Conditions:
Aortic aneurysm, familial thoracic 6 (AAT6). Also called: FAMILIAL THORACIC AORTIC ANEURYSM WITH LIVEDO RETICULARIS AND IRIS FLOCCULI. Identifiers: MedGen C2673186, MONDO:0012730, OMIM 611788.

Submission:

Labcorp Genetics (formerly Invitae), Labcorp
Classification: Pathogenic for Aortic aneurysm, familial thoracic 6. Last evaluated: 2022-09-23. Review status: criteria provided, single submitter. Criteria: Invitae Variant Classification Sherloc (09022015). Collection method: clinical testing. Allele origin: germline.
Comment: Disruption of this splice site has been observed in individual(s) with thoracic aortic aneurysm and dissection (PMID: 21212136). It has also been observed to segregate with disease in related individuals. Algorithms developed to predict the effect of sequence changes on RNA splicing suggest that this variant may disrupt the consensus splice site. For these reasons, this variant has been classified as Pathogenic. This variant is not present in population databases (gnomAD no frequency). This sequence change affects a donor splice site in intron 4 of the ACTA2 gene. It is expected to disrupt RNA splicing. Variants that disrupt the donor or acceptor splice site typically lead to a loss of protein function (PMID: 16199547), however the current clinical and genetic evidence is not sufficient to establish whether loss-of-function variants in ACTA2 cause disease.

Literature cited by the submitters: PubMed 21212136; PubMed 16199547.

NM_001613.4(ACTA2):c.369+1G>C

Gene: ACTA2 (actin alpha 2, smooth muscle; minus strand). Cytogenetic location: 10q23.31.
Variant type: single nucleotide variant.
Coding change: c.369+1G>C on transcript NM_001613.4 (MANE Select); the canonical splice donor site of the intron after coding-DNA position 369, G replaced by C.
Molecular consequence: splice donor variant. On other transcripts: intron variant (1).
Genome position (GRCh38, 1-based): chr10:88,943,796, C>G on the plus strand (G>C on the coding strand, the complement: ACTA2 is on the minus strand). VCF-style: chr10-88943796-C-G. GRCh37 (hg19) VCF-style: chr10-90703553-C-G.
Other names: c.240+1G>C (NM_001406467.1, NM_001406468.1, NM_001406469.1); c.369+1G>C (NM_001320855.2, NM_001406462.1, NM_001406471.1 and 3 more transcripts); c.259-1927G>C (NM_001406466.1).
Identifiers: ClinVar variation 2032218 (VCV002032218.4), dbSNP rs111799340, ClinGen allele CA377512775.